The following is an entry in ClinVar:

ClinVar aggregate classification (germline): Likely pathogenic. Review status: criteria provided, multiple submitters, no conflicts (2 of 4 stars). 5 submissions from 5 submitters: Likely pathogenic (5). Last evaluated 2025-10-23.

Conditions:
Endometrial carcinoma. Also called: Endometrial carcinoma, somatic. Identifiers: MedGen C0476089, MONDO:0002447, OMIM 608089, HP:0012114.
Familial adenomatous polyposis 4 (FAP4). Also called: MSH3-related attenuated familial adenomatous polyposis. Identifiers: Orphanet 480536, MedGen C4310719, MONDO:0044300, OMIM 617100.
Hereditary cancer-predisposing syndrome. Also called: Hereditary neoplastic syndrome; Tumor predisposition; Neoplastic Syndromes, Hereditary; Hereditary Cancer Syndrome. Identifiers: Orphanet 140162, MedGen C0027672, MeSH D009386, MONDO:0015356.

Allele frequency attached by ClinVar (database versions not stated): gnomAD exomes below 0.00001; ExAC 0.00001; gnomAD 0.00001.
gnomAD v4.1: 4 of 1,608,966 alleles (0.00025%); highest among the groups gnomAD compares: Non-Finnish European, 0.00034%; no homozygotes.

Submissions (5):

Labcorp Genetics (formerly Invitae), Labcorp
Classification: Likely pathogenic. Last evaluated: 2025-10-23. Review status: criteria provided, single submitter. Criteria: Invitae Variant Classification Sherloc (09022015). Collection method: clinical testing. Allele origin: germline.
Comment: This sequence change affects an acceptor splice site in intron 8 of the MSH3 gene. It is expected to disrupt RNA splicing. Variants that disrupt the donor or acceptor splice site typically lead to a loss of protein function (PMID: 16199547), and loss-of-function variants in MSH3 are known to be pathogenic (PMID: 27476653, 37402566). This variant is present in population databases (rs750876165, gnomAD 0.002%). This variant has not been reported in the literature in individuals affected with MSH3-related conditions. ClinVar contains an entry for this variant (Variation ID: 954646). Algorithms developed to predict the effect of sequence changes on RNA splicing suggest that this variant may disrupt the consensus splice site. In summary, the currently available evidence indicates that the variant is pathogenic, but additional data are needed to prove that conclusively. Therefore, this variant has been classified as Likely Pathogenic.

Ambry Genetics
Classification: Likely pathogenic for Hereditary cancer-predisposing syndrome. Last evaluated: 2025-06-29. Review status: criteria provided, single submitter. Criteria: Ambry Variant Classification Scheme 2023. Collection method: clinical testing. Allele origin: germline.
Comment: The c.1341-2A>G intronic variant results from an A to G substitution two nucleotides upstream from coding exon 9 in the MSH3 gene. This nucleotide position is highly conserved in available vertebrate species. In silico splice site analysis predicts that this alteration will weaken the native splice acceptor site and will result in the creation or strengthening of a novel splice acceptor site. RNA studies have demonstrated that this alteration results in abnormal splicing in the set of samples tested (Ambry internal data). This variant is considered to be rare based on population cohorts in the Genome Aggregation Database (gnomAD). Alterations that disrupt the canonical splice site are expected to cause aberrant splicing, resulting in an abnormal protein or a transcript that is subject to nonsense-mediated mRNA decay. As such, this alteration is classified as likely pathogenic.

Baylor Genetics
Classification: Likely pathogenic for Endometrial carcinoma. Last evaluated: 2024-02-07. Review status: criteria provided, single submitter. Criteria: ACMG Guidelines, 2015. Collection method: clinical testing. Allele origin: unknown.

Fulgent Genetics
Classification: Likely pathogenic for Endometrial carcinoma; Familial adenomatous polyposis 4. Last evaluated: 2024-01-03. Review status: criteria provided, single submitter. Criteria: ACMG Guidelines, 2015. Collection method: clinical testing. Allele origin: germline.

Myriad Genetics, Inc.
Classification: Likely pathogenic for Familial adenomatous polyposis 4. Last evaluated: 2023-08-29. Review status: criteria provided, single submitter. Criteria: Myriad Autosomal Dominant, Autosomal Recessive and X-Linked Classification Criteria (2023). Collection method: clinical testing. Allele origin: unknown.
Comment: This variant is considered likely pathogenic. This variant occurs within a consensus splice junction and is predicted to result in abnormal mRNA splicing of either an out-of-frame exon or an in-frame exon necessary for protein stability and/or normal function.

Literature cited by the submitters: PubMed 16199547 (cited by Labcorp Genetics (formerly Invitae), Labcorp); PubMed 27476653 (cited by Labcorp Genetics (formerly Invitae), Labcorp); PubMed 37402566 (cited by Labcorp Genetics (formerly Invitae), Labcorp).

NM_002439.5(MSH3):c.1341-2A>G

Gene: MSH3 (mutS homolog 3; plus strand). Cytogenetic location: 5q14.1.
Variant type: single nucleotide variant.
Coding change: c.1341-2A>G on transcript NM_002439.5 (MANE Select); the canonical splice acceptor site of the intron before coding-DNA position 1341, A replaced by G.
Molecular consequence: splice acceptor variant.
Genome position (GRCh38, 1-based): chr5:80,725,451, A>G. VCF-style: chr5-80725451-A-G. GRCh37 (hg19) VCF-style: chr5-80021270-A-G.
Identifiers: ClinVar variation 954646 (VCV000954646.15), dbSNP rs750876165, ClinGen allele CA3327879.
Genomic context (GRCh38, chr5:80,725,451, plus strand): 5'-TAAATACCAGCATTTCATGATAATGGATAAGTTATCTTTGAAATTTTCCTTTTTTCTTTC[A>G]GTGTGCAGGATGACAGAATTCGAGTCGAAAGGATGGATAACATTTATTTTGAATACAGCC-3'